The following is an entry in ClinVar:

NC_000014.8:g.(?_94245502)_(94245677_?)del

Gene: PRIMA1 (proline rich membrane anchor 1; minus strand). Cytogenetic location: 14q32.12.
Variant type: Deletion.
Identifiers: ClinVar variation 3244044 (VCV003244044.1).

ClinVar aggregate classification (germline): Pathogenic (1 of 4 stars; one submission).

Conditions:
Familial sleep-related hypermotor epilepsy. Also called: Autosomal Dominant Sleep-Related Hypermotor (Hyperkinetic) Epilepsy. Identifiers: Orphanet 98784, MedGen C3696898, MONDO:0000030.

Submission:

Labcorp Genetics (formerly Invitae), Labcorp
Classification: Pathogenic for Familial sleep-related hypermotor epilepsy. Last evaluated: 2023-09-03. Review status: criteria provided, single submitter. Criteria: Invitae Variant Classification Sherloc (09022015). Collection method: clinical testing. Allele origin: unknown.
Comment: This variant is a gross deletion of the genomic region encompassing exon(s) 3 of the PRIMA1 gene. This deletion is out-of-frame, and is expected to create a premature termination codon and result in an absent or disrupted protein product. Loss-of-function variants in PRIMA1 are known to be pathogenic (PMID: 26339676). This variant has not been reported in the literature in individuals affected with PRIMA1-related conditions. For these reasons, this variant has been classified as Pathogenic.

Literature cited by the submitters: PubMed 26339676.